The following is an entry in ClinVar:

NM_001089.3(ABCA3):c.952A>T (p.Ile318Phe)

Gene: ABCA3 (ATP binding cassette subfamily A member 3; minus strand). Cytogenetic location: 16p13.3.
Variant type: single nucleotide variant.
Coding change: c.952A>T on transcript NM_001089.3 (MANE Select); coding-DNA position 952, A replaced by T.
Protein change: p.Ile318Phe; replaces isoleucine 318 with phenylalanine.
Molecular consequence: missense variant.
Genome position (GRCh38, 1-based): chr16:2,317,686, T>A on the plus strand (A>T on the coding strand, the complement: ABCA3 is on the minus strand). VCF-style: chr16-2317686-T-A. GRCh37 (hg19) VCF-style: chr16-2367687-T-A.
Other names: short protein forms I318F.
Identifiers: ClinVar variation 3279934 (VCV003279934.1).
Genomic context (GRCh38, chr16:2,317,686, plus strand): 5'-GCCCCACCGACGCCATGCTCACCTTGACACAGAAGAGCAGGGTCATGAAGGAGGCGGCGA[T>A]GAGGAGGAAGAGGAAGAACAAGAGGAACCAGGCACTCCAGTGCAGCCAGCTGCTGAGCCC-3'
Protein context (NP_001080.2, residues 308-328): WFLLFFLFLL[Ile318Phe]AASFMTLLFC

ClinVar aggregate classification (germline): Uncertain significance (1 of 4 stars; one submission).

Conditions:
Hereditary pulmonary alveolar proteinosis. Also called: Pulmonary surfactant metabolism dysfunction. Identifiers: Orphanet 264675, MedGen C3711368, MONDO:0012580.

Submission:

Ambry Genetics
Classification: Uncertain significance for Hereditary pulmonary alveolar proteinosis. Last evaluated: 2024-04-28. Review status: criteria provided, single submitter. Criteria: Ambry Variant Classification Scheme 2023. Collection method: clinical testing. Allele origin: germline.
Comment: The p.I318F variant (also known as c.952A>T), located in coding exon 6 of the ABCA3 gene, results from an A to T substitution at nucleotide position 952. The isoleucine at codon 318 is replaced by phenylalanine, an amino acid with highly similar properties. This amino acid position is conserved. In addition, this alteration is predicted to be tolerated by in silico analysis. Based on the available evidence, the clinical significance of this variant remains unclear.